The following is an entry in ClinVar:

NM_003200.5(TCF3):c.904G>A (p.Gly302Ser)

Gene: TCF3 (transcription factor 3; minus strand). Cytogenetic location: 19p13.3.
Variant type: single nucleotide variant.
Coding change: c.904G>A on transcript NM_003200.5 (MANE Select); coding-DNA position 904, G replaced by A.
Protein change: p.Gly302Ser; replaces glycine 302 with serine.
Molecular consequence: missense variant.
Genome position (GRCh38, 1-based): chr19:1,621,889, C>T on the plus strand (G>A on the coding strand, the complement: TCF3 is on the minus strand). VCF-style: chr19-1621889-C-T. GRCh37 (hg19) VCF-style: chr19-1621888-C-T.
Other names: c.904G>A, p.Gly302Ser (NM_001136139.4, NM_001351778.2, NM_001351779.2); short protein forms G302S.
Identifiers: ClinVar variation 1498970 (VCV001498970.7), dbSNP rs374898725, ClinGen allele CA9050174.
Genomic context (GRCh38, chr19:1,621,889, plus strand): 5'-GGGCCATACCCAGGAGGCTGTCGGCCCCGCTGACAGGCGGCGTGTGGCTGGAGACGCCGC[C>T]GTACGTGGCTCCGGGGGCTGAGGAGAAGGAGGATGCAGATGGGAGCCCACCGTTCACCTC-3'
Protein context (NP_003191.1, residues 292-312): SFSSAPGATY[Gly302Ser]GVSSHTPPVS

ClinVar aggregate classification (germline): Conflicting classifications of pathogenicity. Review status: criteria provided, conflicting classifications (1 of 4 stars). 2 submissions from 2 submitters: Uncertain significance (1); Likely benign (1). Last evaluated 2025-11-08.

Allele frequency attached by ClinVar (database versions not stated): gnomAD exomes 0.00003 and 0.00007; TOPMed 0.00003; ESP Exome Variant Server 0.00008; ExAC 0.00010; 1000 Genomes Project 0.00020; 1000 Genomes Project 30x 0.00031.
gnomAD v4.1: 51 of 1,596,738 alleles (0.0032%); highest among the groups gnomAD compares: East Asian, 0.02%; no homozygotes.

Submissions (2):

Labcorp Genetics (formerly Invitae), Labcorp
Classification: Uncertain significance. Last evaluated: 2025-11-08. Review status: criteria provided, single submitter. Criteria: Invitae Variant Classification Sherloc (09022015). Collection method: clinical testing. Allele origin: germline.
Comment: This sequence change replaces glycine, which is neutral and non-polar, with serine, which is neutral and polar, at codon 302 of the TCF3 protein (p.Gly302Ser). This variant is present in population databases (rs374898725, gnomAD 0.05%). This variant has not been reported in the literature in individuals affected with TCF3-related conditions. ClinVar contains an entry for this variant (Variation ID: 1498970). An algorithm developed to predict the effect of missense changes on protein structure and function outputs the following: PolyPhen-2: "Benign". The serine amino acid residue is found in multiple mammalian species, which suggests that this missense change does not adversely affect protein function. In summary, the available evidence is currently insufficient to determine the role of this variant in disease. Therefore, it has been classified as a Variant of Uncertain Significance.

Blueprint Genetics
Classification: Likely benign. Last evaluated: 2022-10-25. Review status: criteria provided, single submitter. Criteria: ACMG Guidelines, 2015. Collection method: clinical testing. Allele origin: germline.